The following is an entry in ClinVar:

ClinVar aggregate classification (germline): Conflicting classifications of pathogenicity. Review status: criteria provided, conflicting classifications (1 of 4 stars). 3 submissions from 3 submitters: Uncertain significance (2); Likely benign (1). Last evaluated 2024-07-01.

Conditions:
Spastic paraplegia. Identifiers: MedGen C0037772, HP:0001258.
Hereditary spastic paraplegia 15 (SPG15). Also called: KJELLIN SYNDROME; SPASTIC PARAPLEGIA 15, AUTOSOMAL RECESSIVE; SPASTIC PARAPLEGIA AND RETINAL DEGENERATION. Identifiers: Orphanet 100996, MedGen C1849128, MONDO:0010044, OMIM 270700.

Allele frequency attached by ClinVar (database versions not stated): gnomAD exomes 0.00005; ExAC 0.00006; gnomAD 0.00006 and 0.00007; ESP Exome Variant Server 0.00008; TOPMed 0.00009.
gnomAD v4.1: 78 of 1,614,008 alleles (0.0048%); highest among the groups gnomAD compares: African/African-American, 0.035%; 1 homozygote.

Submissions (3):

Labcorp Genetics (formerly Invitae), Labcorp
Classification: Uncertain significance for Spastic paraplegia. Last evaluated: 2024-07-01. Review status: criteria provided, single submitter. Criteria: Invitae Variant Classification Sherloc (09022015). Collection method: clinical testing. Allele origin: germline.
Comment: This sequence change falls in intron 41 of the ZFYVE26 gene. It does not directly change the encoded amino acid sequence of the ZFYVE26 protein. It affects a nucleotide within the consensus splice site. This variant is present in population databases (rs371196543, gnomAD 0.02%). This variant has not been reported in the literature in individuals affected with ZFYVE26-related conditions. ClinVar contains an entry for this variant (Variation ID: 886058). Variants that disrupt the consensus splice site are a relatively common cause of aberrant splicing (PMID: 17576681, 9536098). Algorithms developed to predict the effect of sequence changes on RNA splicing suggest that this variant is not likely to affect RNA splicing. In summary, the available evidence is currently insufficient to determine the role of this variant in disease. Therefore, it has been classified as a Variant of Uncertain Significance.

Blueprint Genetics
Classification: Likely benign. Last evaluated: 2024-02-09. Review status: criteria provided, single submitter. Criteria: ACMG Guidelines, 2015. Collection method: clinical testing. Allele origin: germline.

Illumina Laboratory Services, Illumina
Classification: Uncertain significance for Hereditary spastic paraplegia 15. Last evaluated: 2018-01-13. Review status: criteria provided, single submitter. Criteria: ICSL Variant Classification Criteria 13 December 2019. Collection method: clinical testing. Allele origin: germline.

Literature cited by the submitters: PubMed 17576681 (cited by Labcorp Genetics (formerly Invitae), Labcorp); PubMed 9536098 (cited by Labcorp Genetics (formerly Invitae), Labcorp).

NM_015346.4(ZFYVE26):c.7416+6C>T

Gene: ZFYVE26 (zinc finger FYVE-type containing 26; minus strand). Cytogenetic location: 14q24.1.
Variant type: single nucleotide variant.
Coding change: c.7416+6C>T on transcript NM_015346.4 (MANE Select); 6 bases into the intron after coding-DNA position 7416, C replaced by T.
Molecular consequence: intron variant.
Genome position (GRCh38, 1-based): chr14:67,751,046, G>A on the plus strand (C>T on the coding strand, the complement: ZFYVE26 is on the minus strand). VCF-style: chr14-67751046-G-A. GRCh37 (hg19) VCF-style: chr14-68217763-G-A.
Identifiers: ClinVar variation 886058 (VCV000886058.8), dbSNP rs371196543, ClinGen allele CA7238963.